The following is an entry in ClinVar:

NM_015272.5(RPGRIP1L):c.3220+1G>A

Gene: RPGRIP1L (RPGRIP1 like; minus strand). Cytogenetic location: 16q12.2.
Variant type: single nucleotide variant.
Coding change: c.3220+1G>A on transcript NM_015272.5 (MANE Select); the canonical splice donor site of the intron after coding-DNA position 3220, G replaced by A.
Molecular consequence: splice donor variant.
Genome position (GRCh38, 1-based): chr16:53,637,694, C>T on the plus strand (G>A on the coding strand, the complement: RPGRIP1L is on the minus strand). VCF-style: chr16-53637694-C-T. GRCh37 (hg19) VCF-style: chr16-53671606-C-T.
Other names: c.3220+1G>A (NM_015272.4, NM_001308334.3); c.3118+1G>A (NM_001330538.2, NM_001127897.4).
Identifiers: ClinVar variation 1486518 (VCV001486518.11), dbSNP rs969617857, ClinGen allele CA281369136.

ClinVar aggregate classification (germline): Likely pathogenic. Review status: criteria provided, multiple submitters, no conflicts (2 of 4 stars). 4 submissions from 4 submitters: Likely pathogenic (4). Last evaluated 2025-09-16.

Conditions:
Joubert syndrome. Also called: Familial aplasia of the vermis; JOUBERT-BOLTSHAUSER SYNDROME. Identifiers: Orphanet 475, MedGen C5979921, MONDO:0018772.
Meckel-Gruber syndrome. Also called: Dysencephalia splachnocystica; DYSENCEPHALIA SPLANCHNOCYSTICA; GRUBER SYNDROME. Identifiers: Orphanet 564, MedGen C0265215, MONDO:0018921.
RPGRIP1L-related disorder. Also called: RPGRIP1L-related disorders; RPGRIP1L-related condition. Identifiers: MedGen CN239416.
COACH syndrome 3. Identifiers: MedGen C5436841, MONDO:0030862, OMIM 619113.
Joubert syndrome 7 (JBTS7). Identifiers: Orphanet 220497, MedGen C1969053, MONDO:0012694, OMIM 611560.

Allele frequency attached by ClinVar (database versions not stated): gnomAD exomes below 0.00001; gnomAD 0.00002.
gnomAD v4.1: 5 of 1,607,128 alleles (0.00031%); highest among the groups gnomAD compares: African/African-American, 0.004%; no homozygotes.

Submissions (4):

PreventionGenetics, part of Exact Sciences
Classification: Likely pathogenic for RPGRIP1L-related condition. Last evaluated: 2025-09-16. Review status: criteria provided, single submitter. Criteria: ACMG Guidelines, 2015. Collection method: clinical testing. Allele origin: germline.
Comment: The RPGRIP1L c.3220+1G>A variant is predicted to disrupt the GT donor site and interfere with normal splicing. This variant has been reported as likely pathogenic in a study about carrier frequency of autosomal recessive inherited retinal diseases (Table S3, Hanany et al. 2020. PubMed ID: 31964843). This variant is reported in 0.0080% of alleles in individuals of African descent in gnomAD. Variants that disrupt the consensus splice donor site in RPGRIP1L are expected to be pathogenic. This variant is interpreted as likely pathogenic.

Natera, Inc.
Classification: Likely pathogenic for Joubert syndrome. Last evaluated: 2024-02-25. Review status: criteria provided, single submitter. Criteria: Natera Variant Classification Schema (03/2026). Collection method: clinical testing. Allele origin: germline.
Comment: The c.3220+1G>A variant in RPGRIP1L is a canonical splice donor site variant predicted to affect pre-mRNA splicing, which may result in an abnormal transcript and altered protein product. This variant is expected to result in nonsense mediated decay, truncation, or a dysfunctional protein product. This variant is rare in the general population with a frequency below the threshold expected for the associated phenotype(s). Given the available evidence, this variant is classified as Likely Pathogenic.

Labcorp Genetics (formerly Invitae), Labcorp
Classification: Likely pathogenic for Joubert syndrome; Meckel-Gruber syndrome. Last evaluated: 2024-01-25. Review status: criteria provided, single submitter. Criteria: Invitae Variant Classification Sherloc (09022015). Collection method: clinical testing. Allele origin: germline.
Comment: This sequence change affects a donor splice site in intron 21 of the RPGRIP1L gene. It is expected to disrupt RNA splicing. Variants that disrupt the donor or acceptor splice site typically lead to a loss of protein function (PMID: 16199547), and loss-of-function variants in RPGRIP1L are known to be pathogenic (PMID: 17558409). This variant is present in population databases (no rsID available, gnomAD 0.01%). This variant has not been reported in the literature in individuals affected with RPGRIP1L-related conditions. ClinVar contains an entry for this variant (Variation ID: 1486518). Algorithms developed to predict the effect of sequence changes on RNA splicing suggest that this variant may disrupt the consensus splice site. In summary, the currently available evidence indicates that the variant is pathogenic, but additional data are needed to prove that conclusively. Therefore, this variant has been classified as Likely Pathogenic.

Department of Pathology and Laboratory Medicine, Sinai Health System
Classification: Likely pathogenic for COACH syndrome 3; Joubert syndrome 7. Last evaluated: 2023-08-15. Review status: criteria provided, single submitter. Criteria: ACMG Guidelines, 2015. Collection method: research. Allele origin: germline.

Literature cited by the submitters: PubMed 16199547 (cited by Labcorp Genetics (formerly Invitae), Labcorp); PubMed 17558409 (cited by Labcorp Genetics (formerly Invitae), Labcorp).